The following is an entry in ClinVar:

ClinVar aggregate classification (germline): Pathogenic (1 of 4 stars; one submission).

Conditions:
ALG1-congenital disorder of glycosylation. Also called: CDG Ik; ALG1-CDG; CONGENITAL DISORDER OF GLYCOSYLATION, TYPE Ik. Identifiers: Orphanet 79327, MedGen C2931005, MONDO:0012052, OMIM 608540.

Submission:

Labcorp Genetics (formerly Invitae), Labcorp
Classification: Pathogenic for ALG1-congenital disorder of glycosylation. Last evaluated: 2024-01-12. Review status: criteria provided, single submitter. Criteria: Invitae Variant Classification Sherloc (09022015). Collection method: clinical testing. Allele origin: germline.
Comment: This sequence change creates a premature translational stop signal (p.Asn171Lysfs*36) in the ALG1 gene. It is expected to result in an absent or disrupted protein product. Loss-of-function variants in ALG1 are known to be pathogenic (PMID: 20679665, 23806237). This variant is not present in population databases (gnomAD no frequency). This variant has not been reported in the literature in individuals affected with ALG1-related conditions. Algorithms developed to predict the effect of sequence changes on RNA splicing suggest that this variant may disrupt the consensus splice site. For these reasons, this variant has been classified as Pathogenic.

Literature cited by the submitters: PubMed 20679665; PubMed 23806237.

NM_019109.5(ALG1):c.512dup (p.Asn171fs)

Gene: ALG1 (ALG1 chitobiosyldiphosphodolichol beta-mannosyltransferase; plus strand). Cytogenetic location: 16p13.3.
Variant type: Duplication.
Coding change: c.512dup on transcript NM_019109.5 (MANE Select); coding-DNA position 512, one base duplicated (A; older notation c.512dupA).
Protein change: p.Asn171fs; shifts the reading frame from asparagine 171.
Molecular consequence: frameshift variant.
Genome position (GRCh38, 1-based): chr16:5,075,509, A duplicated; the last of 2 consecutive A bases (chr16:5,075,508-5,075,509); duplicating either gives the same sequence. VCF-style (leftmost placement, unchanged base first): chr16-5075507-C-CA. GRCh37 (hg19) VCF-style: chr16-5125508-C-CA.
Other names: c.179dup, p.Asn60fs (NM_001330504.2); short protein forms N60fs, N171fs.
Identifiers: ClinVar variation 2895255 (VCV002895255.3), dbSNP rs889550402, ClinGen allele CA277198307.
Genomic context (GRCh38, chr16:5,075,507, plus strand): 5'-CAAGCTCGTCATTGACTGGCACAACTATGGCTACTCCATCATGGGTCTGGTGCATGGCCC[C>CA]AACCATCCCCTCGTTCTGCTGGCCAAGTGGTGAGAGTCTAGGAAGAGGGTAAAATACCGT-3'